The following is an entry in ClinVar:

ClinVar aggregate classification (germline): Likely pathogenic. Review status: criteria provided, multiple submitters, no conflicts (2 of 4 stars). 2 submissions from 2 submitters: Likely pathogenic (2). Last evaluated 2017-12-05.

Conditions:
Multiple endocrine neoplasia, type 1 (MEN1). Also called: Endocrine adenomatosis multiple; MEN 1; MEN I; WERMER SYNDROME; MEA I. Identifiers: Orphanet 652, MedGen C0025267, MeSH D018761, MONDO:0007540, OMIM 131100.
Somatotroph adenoma (PITA1). Also called: ACROMEGALY DUE TO PITUITARY ADENOMA 1; ISOLATED FAMILIAL SOMATOTROPINOMA; SOMATOTROPHINOMA, FAMILIAL; Pituitary tumor, growth hormone-secreting, somatic; PITUITARY ADENOMA 1, MULTIPLE TYPES; Pituitary adenoma, growth hormone-secreting. Identifiers: Orphanet 314777, Orphanet 963, MedGen C4538355, MONDO:0007052, OMIM 102200.

Allele frequency attached by ClinVar (database versions not stated): gnomAD 0.00001; TOPMed 0.00001; gnomAD exomes 0.00003.
gnomAD v4.1: 6 of 335,130 alleles (0.0018%); highest among the groups gnomAD compares: Non-Finnish European, 0.0034%; no homozygotes.

Submissions (2):

Aziz Sancar Institute of Experimental Medicine, Istanbul University
Classification: Likely pathogenic for Somatotroph adenoma. Last evaluated: 2017-12-05. Review status: criteria provided, single submitter. Criteria: Yarman et al. (Pathobiology, 2019). Collection method: research. Allele origin: germline. Affected: yes. Observed: 1 variant allele.
Comment: A novel variant associated with clinical findings.

Department of Pathology and Laboratory Medicine, Sinai Health System
Classification: Likely pathogenic for multiple endocrine neoplasia type 1. Review status: criteria provided, single submitter. Criteria: ACMG Guidelines, 2015. Collection method: clinical testing. Allele origin: germline.

NM_001370259.2(MEN1):c.*412G>A

Gene: MEN1 (menin 1; minus strand). Cytogenetic location: 11q13.1.
Variant type: single nucleotide variant.
Coding change: c.*412G>A on transcript NM_001370259.2 (MANE Select); 412 bases downstream of the stop codon, G replaced by A.
Molecular consequence: 3 prime UTR variant.
Genome position (GRCh38, 1-based): chr11:64,803,922, C>T on the plus strand (G>A on the coding strand, the complement: MEN1 is on the minus strand). VCF-style: chr11-64803922-C-T. GRCh37 (hg19) VCF-style: chr11-64571394-C-T.
Other names: c.*412G>A (NM_000244.4, NM_001370251.2, NM_001370260.2 and 9 more transcripts).
Identifiers: ClinVar variation 446503 (VCV000446503.4), dbSNP rs972128957, ClinGen allele CA223911371.
Genomic context (GRCh38, chr11:64,803,922, plus strand): 5'-TATGGAATTCTGAAGTGCGGAAATATACTCCTAGGGGCTGAGTGGTCCTAGGCTCCCGGG[C>T]TGGAGGTGGGACCTGTGCTCCTTGGGTTAAGGGTGAAACCTCAGCTCCTACAAGCTGGGA-3'